The following is an entry in ClinVar:

NM_017637.6(BNC2):c.1231G>A (p.Val411Ile)

Gene: BNC2 (basonuclin zinc finger protein 2; minus strand). Cytogenetic location: 9p22.3.
Variant type: single nucleotide variant.
Coding change: c.1231G>A on transcript NM_017637.6 (MANE Select); coding-DNA position 1231, G replaced by A.
Protein change: p.Val411Ile; replaces valine 411 with isoleucine.
Molecular consequence: missense variant.
Genome position (GRCh38, 1-based): chr9:16,436,963, C>T on the plus strand (G>A on the coding strand, the complement: BNC2 is on the minus strand). VCF-style: chr9-16436963-C-T. GRCh37 (hg19) VCF-style: chr9-16436961-C-T.
Other names: c.1105G>A, p.Val369Ile (NM_001317939.2); c.946G>A, p.Val316Ile (NM_001317940.2); short protein forms V369I, V411I, V316I.
Identifiers: ClinVar variation 4727213 (VCV004727213.1).

ClinVar aggregate classification (germline): Uncertain significance (1 of 4 stars; one submission).

gnomAD v4.1: 3 of 1,614,010 alleles (0.00019%); highest among the groups gnomAD compares: Admixed American, 0.0033%; no homozygotes.

Submission:

Labcorp Genetics (formerly Invitae), Labcorp
Classification: Uncertain significance. Last evaluated: 2026-01-19. Review status: criteria provided, single submitter. Criteria: Invitae Variant Classification Sherloc (09022015). Collection method: clinical testing. Allele origin: germline.
Comment: This sequence change replaces valine, which is neutral and non-polar, with isoleucine, which is neutral and non-polar, at codon 411 of the BNC2 protein (p.Val411Ile). This variant is not present in population databases (gnomAD no frequency). This variant has not been reported in the literature in individuals affected with BNC2-related conditions. An algorithm developed to predict the effect of missense changes on protein structure and function outputs the following: PolyPhen-2: "Benign". The isoleucine amino acid residue is found in multiple mammalian species, which suggests that this missense change does not adversely affect protein function. In summary, the available evidence is currently insufficient to determine the role of this variant in disease. Therefore, it has been classified as a Variant of Uncertain Significance.